The following is an entry in ClinVar:

ClinVar aggregate classification (germline): Uncertain significance (1 of 4 stars; one submission).

Allele frequency attached by ClinVar (database versions not stated): TOPMed 0.00003.
gnomAD v4.1: 3 of 1,207,774 alleles (0.00025%); highest among the groups gnomAD compares: African/African-American, 0.0035%; no homozygotes.

Submission:

Women's Health and Genetics/Laboratory Corporation of America, LabCorp
Classification: Uncertain significance. Last evaluated: 2022-12-07. Review status: criteria provided, single submitter. Criteria: LabCorp Variant Classification Summary - May 2015. Collection method: clinical testing. Allele origin: germline.
Comment: Variant summary: KDM5C c.964-15C>T alters a non-conserved nucleotide located close to a canonical splice site and therefore could affect mRNA splicing, leading to a significantly altered protein sequence. 4/4 computational tools predict no significant impact on normal splicing. However, these predictions have yet to be confirmed by functional studies. The variant allele was found at a frequency of 5.6e-06 in 179474 control chromosomes (gnomAD v2.1). The available data on variant occurrences in the general population are insufficient to allow any conclusion about variant significance. To our knowledge, no occurrence of c.964-15C>T in individuals affected with Mental Retardation, Syndromic, Claes-Jensen Type, X-Linked and no experimental evidence demonstrating its impact on protein function have been reported. No clinical diagnostic laboratories have submitted clinical-significance assessments for this variant to ClinVar after 2014. Based on the evidence outlined above, the variant was classified as VUS-possibly benign.

NM_004187.5(KDM5C):c.964-15C>T

Gene: KDM5C (lysine demethylase 5C; minus strand). Cytogenetic location: Xp11.22.
Variant type: single nucleotide variant.
Coding change: c.964-15C>T on transcript NM_004187.5 (MANE Select); 15 bases into the intron before coding-DNA position 964, C replaced by T.
Molecular consequence: intron variant.
Genome position (GRCh38, 1-based): chrX:53,214,862, G>A on the plus strand (C>T on the coding strand, the complement: KDM5C is on the minus strand). VCF-style: chrX-53214862-G-A. GRCh37 (hg19) VCF-style: chrX-53244044-G-A.
Other names: c.961-15C>T (NM_001353982.2, NM_001353979.2, NM_001282622.3); c.964-15C>T (NM_001353981.2, NM_001353984.2, NM_001353978.3); c.763-15C>T (NM_001146702.2).
Identifiers: ClinVar variation 1878232 (VCV001878232.1), dbSNP rs1289843396, ClinGen allele CA641551080.